The following is an entry in ClinVar:

ClinVar aggregate classification (germline): Conflicting classifications of pathogenicity. Review status: criteria provided, conflicting classifications (1 of 4 stars). 2 submissions from 2 submitters: Likely pathogenic (1); Uncertain significance (1). Last evaluated 2025-05-12.

Conditions:
Ethylmalonic encephalopathy (EE). Also called: EPEMA syndrome; Encephalopathy, petechiae, and ethylmalonic aciduria; Syndrome of encephalopathy, petechiae, and ethylmalonic aciduria. Identifiers: Orphanet 51188, MedGen C1865349, MONDO:0011229, OMIM 602473. Disease mechanism: loss of function.

Allele frequency attached by ClinVar (database versions not stated): ExAC 0.00001; gnomAD 0.00001; TOPMed 0.00001.
gnomAD v4.1: 39 of 1,613,860 alleles (0.0024%); highest among the groups gnomAD compares: Non-Finnish European, 0.0033%; no homozygotes.

Submissions (2):

Women's Health and Genetics/Laboratory Corporation of America, LabCorp
Classification: Uncertain significance. Last evaluated: 2025-05-12. Review status: criteria provided, single submitter. Criteria: LabCorp Variant Classification Summary - May 2015. Collection method: clinical testing. Allele origin: germline.
Comment: Variant summary: ETHE1 c.608C>T (p.Ser203Phe) results in a non-conservative amino acid change in the encoded protein sequence. Algorithms developed to predict the effect of missense changes on protein structure and function all suggest that this variant is likely to be disruptive. The variant allele was found at a frequency of 4e-06 in 251180 control chromosomes. The available data on variant occurrences in the general population are insufficient to allow any conclusion about variant significance. c.608C>T has been observed in one individual affected with features of Ethylmalonic Encephalopathy (Plutino_2018). These data do not allow any conclusion about variant significance. To our knowledge, no experimental evidence demonstrating an impact on protein function has been reported. The following publication has been ascertained in the context of this evaluation (PMID: 29625556). ClinVar contains an entry for this variant (Variation ID: 2152318). Based on the evidence outlined above, the variant was classified as uncertain significance.

Labcorp Genetics (formerly Invitae), Labcorp
Classification: Likely pathogenic for Ethylmalonic encephalopathy. Last evaluated: 2024-01-24. Review status: criteria provided, single submitter. Criteria: Invitae Variant Classification Sherloc (09022015). Collection method: clinical testing. Allele origin: germline.
Comment: This sequence change replaces serine, which is neutral and polar, with phenylalanine, which is neutral and non-polar, at codon 203 of the ETHE1 protein (p.Ser203Phe). This variant is present in population databases (rs267605525, gnomAD 0.0009%). This missense change has been observed in individual(s) with clinical features of ethylmalonic encephalopathy (PMID: 29625556). In at least one individual the data is consistent with being in trans (on the opposite chromosome) from a pathogenic variant. ClinVar contains an entry for this variant (Variation ID: 2152318). Advanced modeling of protein sequence and biophysical properties (such as structural, functional, and spatial information, amino acid conservation, physicochemical variation, residue mobility, and thermodynamic stability) performed at Invitae indicates that this missense variant is expected to disrupt ETHE1 protein function with a positive predictive value of 80%. In summary, the currently available evidence indicates that the variant is pathogenic, but additional data are needed to prove that conclusively. Therefore, this variant has been classified as Likely Pathogenic.

Literature cited by the submitters: PubMed 29625556 (cited by Women's Health and Genetics/Laboratory Corporation of America, LabCorp and Labcorp Genetics (formerly Invitae), Labcorp).

NM_014297.5(ETHE1):c.608C>T (p.Ser203Phe)

Gene: ETHE1 (ETHE1 persulfide dioxygenase; minus strand). Cytogenetic location: 19q13.31.
Variant type: single nucleotide variant.
Coding change: c.608C>T on transcript NM_014297.5 (MANE Select); coding-DNA position 608, C replaced by T.
Protein change: p.Ser203Phe; replaces serine 203 with phenylalanine.
Molecular consequence: missense variant.
Genome position (GRCh38, 1-based): chr19:43,508,048, G>A on the plus strand (C>T on the coding strand, the complement: ETHE1 is on the minus strand). VCF-style: chr19-43508048-G-A. GRCh37 (hg19) VCF-style: chr19-44012200-G-A.
Other names: c.575C>T, p.Ser192Phe (NM_001320867.2); c.239C>T, p.Ser80Phe (NM_001320868.2); c.314C>T, p.Ser105Phe (NM_001320869.2); short protein forms S203F, S105F, S192F, S80F.
Identifiers: ClinVar variation 2152318 (VCV002152318.5), dbSNP rs267605525, ClinGen allele CA9487793.